The following is an entry in ClinVar:

ClinVar aggregate classification (germline): Uncertain significance (1 of 4 stars; one submission).

Conditions:
Psoriasis 2. Identifiers: MedGen C1864497, MONDO:0011269, OMIM 602723.
Pityriasis rubra pilaris (PRP). Also called: Pityriasis rubra pilaris--familial type. Identifiers: Orphanet 2897, MedGen C0032027, MONDO:0100017, OMIM 173200, MONDO:0008251.

Submission:

Labcorp Genetics (formerly Invitae), Labcorp
Classification: Uncertain significance for Pityriasis rubra pilaris; Psoriasis 2. Last evaluated: 2022-10-26. Review status: criteria provided, single submitter. Criteria: Invitae Variant Classification Sherloc (09022015). Collection method: clinical testing. Allele origin: germline.
Comment: In summary, the available evidence is currently insufficient to determine the role of this variant in disease. Therefore, it has been classified as a Variant of Uncertain Significance. Advanced modeling of protein sequence and biophysical properties (such as structural, functional, and spatial information, amino acid conservation, physicochemical variation, residue mobility, and thermodynamic stability) performed at Invitae indicates that this missense variant is expected to disrupt CARD14 protein function. This variant has not been reported in the literature in individuals affected with CARD14-related conditions. This variant is not present in population databases (gnomAD no frequency). This sequence change replaces leucine, which is neutral and non-polar, with methionine, which is neutral and non-polar, at codon 845 of the CARD14 protein (p.Leu845Met).

NM_001366385.1(CARD14):c.2533C>A (p.Leu845Met)

Genes: SGSH (N-sulfoglucosamine sulfohydrolase; minus strand), CARD14 (caspase recruitment domain family member 14; plus strand), LOC126862662 (MED14-independent group 3 enhancer GRCh37_chr17:78178385-78179584; plus strand). Cytogenetic location: 17q25.3.
Variant type: single nucleotide variant.
Coding change: c.2533C>A on transcript NM_001366385.1 (MANE Select); coding-DNA position 2533, C replaced by A.
Protein change: p.Leu845Met; replaces leucine 845 with methionine.
Molecular consequence: missense variant. On other transcripts: non-coding transcript variant (1).
Genome position (GRCh38, 1-based): chr17:80,205,169, C>A. VCF-style: chr17-80205169-C-A. GRCh37 (hg19) VCF-style: chr17-78178968-C-A.
Other names: c.2533C>A, p.Leu845Met (NM_024110.4); short protein forms L845M.
Identifiers: ClinVar variation 2937337 (VCV002937337.3), dbSNP rs1486223942, ClinGen allele CA401356143.